The following is an entry in ClinVar:

NM_001083619.3(GRIA2):c.65T>G (p.Val22Gly)

Gene: GRIA2 (glutamate ionotropic receptor AMPA type subunit 2; plus strand). Cytogenetic location: 4q32.1.
Variant type: single nucleotide variant.
Coding change: c.65T>G on transcript NM_001083619.3 (MANE Select); coding-DNA position 65, T replaced by G.
Protein change: p.Val22Gly; replaces valine 22 with glycine.
Molecular consequence: missense variant. On other transcripts: intron variant (3).
Genome position (GRCh38, 1-based): chr4:157,221,107, T>G. VCF-style: chr4-157221107-T-G. GRCh37 (hg19) VCF-style: chr4-158142259-T-G.
Other names: c.65T>G, p.Val22Gly (NM_000826.6); c.-53-560T>G (NM_001379000.3, NM_001379001.3); c.-54+382T>G (NM_001083620.3); short protein forms V22G.
Identifiers: ClinVar variation 2503145 (VCV002503145.1), dbSNP rs2530253500, ClinGen allele CA358643136.

ClinVar aggregate classification (germline): Uncertain significance (1 of 4 stars; one submission).

Submission:

GeneDx
Classification: Uncertain significance. Last evaluated: 2022-11-21. Review status: criteria provided, single submitter. Criteria: GeneDx Variant Classification Process June 2021. Collection method: clinical testing. Allele origin: germline. Affected: yes.
Comment: Not observed at significant frequency in large population cohorts (gnomAD); In silico analysis supports that this missense variant does not alter protein structure/function; Has not been previously published as pathogenic or benign to our knowledge